The following is an entry in ClinVar:

NM_003482.4(KMT2D):c.6805_6811del (p.Ser2269fs)

Gene: KMT2D (lysine methyltransferase 2D; minus strand). Cytogenetic location: 12q13.12.
Variant type: Deletion.
Coding change: c.6805_6811del on transcript NM_003482.4 (MANE Select); coding-DNA positions 6805 to 6811, 7 bases deleted (TCCGAGC; older notation c.6805_6811delTCCGAGC).
Protein change: p.Ser2269fs; shifts the reading frame from serine 2269.
Molecular consequence: frameshift variant.
Genome position (GRCh38, 1-based): chr12:49,040,959-49,040,965, GCTCGGA deleted on the plus strand (TCCGAGC on the coding strand, the reverse complement: KMT2D is on the minus strand). VCF-style (leftmost placement, unchanged base first): chr12-49040958-GGCTCGGA-G. GRCh37 (hg19) VCF-style: chr12-49434741-GGCTCGGA-G.
Other names: short protein forms S2269fs.
Identifiers: ClinVar variation 2444349 (VCV002444349.1), dbSNP rs2498400647, ClinGen allele CA2580086368.

ClinVar aggregate classification (germline): Likely pathogenic (1 of 4 stars; one submission).

Conditions:
Kabuki syndrome 1 (KABUK1). Also called: KMT2D-Related Kabuki Syndrome. Identifiers: Orphanet 2322, MedGen CN030661, MONDO:0007843, OMIM 147920.

Submission:

3billion
Classification: Likely pathogenic for Kabuki syndrome 1. Last evaluated: 2023-02-23. Review status: criteria provided, single submitter. Criteria: ACMG Guidelines, 2015. Collection method: clinical testing. Allele origin: unknown. Affected: yes.
Comment: The variant is not observed in the gnomAD v2.1.1 dataset. This variant was predicted to result in a loss or disruption of normal protein function through nonsense-mediated decay (NMD) or protein truncation. Multiple pathogenic variants are reported downstream of the variant. Therefore, this variant is classified as Likely pathogenic according to the recommendation of ACMG/AMP guideline.